The following is an entry in ClinVar:

NM_004044.7(ATIC):c.1542A>G (p.Glu514=)

Gene: ATIC (5-aminoimidazole-4-carboxamide ribonucleotide formyltransferase/IMP cyclohydrolase; plus strand). Cytogenetic location: 2q35.
Variant type: single nucleotide variant.
Coding change: c.1542A>G on transcript NM_004044.7 (MANE Select); coding-DNA position 1542, A replaced by G.
Protein change: p.Glu514=; no amino-acid change (glutamic acid 514 retained).
Molecular consequence: synonymous variant.
Genome position (GRCh38, 1-based): chr2:215,349,132, A>G. VCF-style: chr2-215349132-A-G. GRCh37 (hg19) VCF-style: chr2-216213855-A-G.
Identifiers: ClinVar variation 3053406 (VCV003053406.2), dbSNP rs138540592, ClinGen allele CA2093407.

ClinVar aggregate classification (germline): Likely benign (0 of 4 stars; one submission).

Conditions:
ATIC-related disorder. Also called: ATIC-related condition.

Allele frequency attached by ClinVar (database versions not stated): gnomAD exomes 0.00001; gnomAD 0.00003; TOPMed 0.00004; ExAC 0.00006; ESP Exome Variant Server 0.00008; 1000 Genomes Project 30x 0.00031; 1000 Genomes Project 0.00040.
gnomAD v4.1: 28 of 1,614,128 alleles (0.0017%); highest among the groups gnomAD compares: Admixed American, 0.022%; no homozygotes.

Submission:

PreventionGenetics, part of Exact Sciences
Classification: Likely benign for ATIC-related condition. Last evaluated: 2019-04-23. Review status: no assertion criteria provided. Collection method: clinical testing. Allele origin: germline.
Comment: This variant is classified as likely benign based on ACMG/AMP sequence variant interpretation guidelines (Richards et al. 2015 PMID: 25741868, with internal and published modifications).